The following is an entry in ClinVar:

NM_002474.3(MYH11):c.5073G>A (p.Gln1691=)

Genes: NDE1 (nudE neurodevelopment protein 1; plus strand), MYH11 (myosin heavy chain 11; minus strand). Cytogenetic location: 16p13.11.
Variant type: single nucleotide variant.
Coding change: c.5073G>A on transcript NM_002474.3 (MANE Select); coding-DNA position 5073, G replaced by A.
Protein change: p.Gln1691=; no amino-acid change (glutamine 1691 retained).
Molecular consequence: synonymous variant. On other transcripts: intron variant (2).
Genome position (GRCh38, 1-based): chr16:15,719,594, C>T on the plus strand (G>A on the coding strand, the complement: MYH11 is on the minus strand). VCF-style: chr16-15719594-C-T. GRCh37 (hg19) VCF-style: chr16-15813451-C-T.
Other names: c.5094G>A, p.Gln1698= (NM_001040113.2, NM_001040114.2); c.5073G>A, p.Gln1691= (NM_022844.3); c.948-4597C>T (NM_001143979.2, NM_017668.3).
Identifiers: ClinVar variation 1745164 (VCV001745164.8), dbSNP rs140956234, ClinGen allele CA7921460.

ClinVar aggregate classification (germline): Likely benign. Review status: criteria provided, multiple submitters, no conflicts (2 of 4 stars). 3 submissions from 3 submitters: Likely benign (3). Last evaluated 2024-06-09.

Conditions:
Familial thoracic aortic aneurysm and aortic dissection (TAAD). Also called: Thoracic aortic aneurysms and dissections. Identifiers: Orphanet 91387, MedGen C4707243, MONDO:0019625.
Aortic aneurysm, familial thoracic 4 (AAT4). Also called: AORTIC ANEURYSM/AORTIC DISSECTION AND PATENT DUCTUS ARTERIOSUS. Identifiers: MedGen C1851504, MONDO:0007568, OMIM 132900.

Allele frequency attached by ClinVar (database versions not stated): ExAC 0.00001; ESP Exome Variant Server 0.00008.
gnomAD v4.1: 1 of 1,614,072 alleles (0.000062%); highest among the groups gnomAD compares: African/African-American, 0.0013%; no homozygotes.

Submissions (3):

All of Us Research Program, National Institutes of Health
Classification: Likely benign for Familial thoracic aortic aneurysm and aortic dissection. Last evaluated: 2024-06-09. Review status: criteria provided, single submitter. Criteria: ACMG Guidelines, 2015. Collection method: clinical testing. Allele origin: germline. Inheritance: Autosomal dominant inheritance. Observed: 1 variant allele, 1 heterozygote.
Comment: This study involves interpretation of variants in research participants for the purpose of population health screening. Participant phenotype was not available at the time of variant classification. Additional details can be found in publication PMID: 35346344, PMCID: PMC8962531

Labcorp Genetics (formerly Invitae), Labcorp
Classification: Likely benign for Aortic aneurysm, familial thoracic 4. Last evaluated: 2022-05-25. Review status: criteria provided, single submitter. Criteria: Invitae Variant Classification Sherloc (09022015). Collection method: clinical testing. Allele origin: germline.

Ambry Genetics
Classification: Likely benign for Familial thoracic aortic aneurysm and aortic dissection. Last evaluated: 2021-04-19. Review status: criteria provided, single submitter. Criteria: Ambry Variant Classification Scheme 2023. Collection method: clinical testing. Allele origin: germline.